The following is an entry in ClinVar:

ClinVar aggregate classification (germline): Uncertain significance. Review status: criteria provided, multiple submitters, no conflicts (2 of 4 stars). 2 submissions from 2 submitters: Uncertain significance (2). Last evaluated 2025-12-03.

Conditions:
Hereditary cancer-predisposing syndrome. Also called: Hereditary Cancer Syndrome; Hereditary neoplastic syndrome; Neoplastic Syndromes, Hereditary; Tumor predisposition. Identifiers: Orphanet 140162, MedGen C0027672, MeSH D009386, MONDO:0015356.
Familial cancer of breast. Also called: BREAST CANCER, FAMILIAL; Hereditary breast cancer; hereditary breast carcinoma. Identifiers: Orphanet 227535, MedGen C0346153, MONDO:0016419, OMIM 114480. Disease mechanism: loss of function.

Allele frequency attached by ClinVar (database versions not stated): gnomAD 0.00001; TOPMed 0.00001.
gnomAD v4.1: 1 of 1,614,026 alleles (0.000062%); highest among the groups gnomAD compares: African/African-American, 0.0013%; no homozygotes.

Submissions (2):

Ambry Genetics
Classification: Uncertain significance for Hereditary cancer-predisposing syndrome. Last evaluated: 2025-12-03. Review status: criteria provided, single submitter. Criteria: Ambry Variant Classification Scheme 2023. Collection method: clinical testing. Allele origin: germline.
Comment: The p.I702N variant (also known as c.2105T>A), located in coding exon 11 of the BARD1 gene, results from a T to A substitution at nucleotide position 2105. The isoleucine at codon 702 is replaced by asparagine, an amino acid with dissimilar properties. This amino acid position is poorly conserved in available vertebrate species. In addition, this alteration is predicted to be tolerated by in silico analysis. Since supporting evidence is limited at this time, the clinical significance of this alteration remains unclear.

Labcorp Genetics (formerly Invitae), Labcorp
Classification: Uncertain significance for Familial cancer of breast. Last evaluated: 2023-09-17. Review status: criteria provided, single submitter. Criteria: Invitae Variant Classification Sherloc (09022015). Collection method: clinical testing. Allele origin: germline.
Comment: This sequence change replaces isoleucine, which is neutral and non-polar, with asparagine, which is neutral and polar, at codon 702 of the BARD1 protein (p.Ile702Asn). In summary, the available evidence is currently insufficient to determine the role of this variant in disease. Therefore, it has been classified as a Variant of Uncertain Significance. An algorithm developed to predict the effect of missense changes on protein structure and function (PolyPhen-2) suggests that this variant is likely to be disruptive. ClinVar contains an entry for this variant (Variation ID: 406794). This variant has not been reported in the literature in individuals affected with BARD1-related conditions. This variant is not present in population databases (gnomAD no frequency).

NM_000465.4(BARD1):c.2105T>A (p.Ile702Asn)

Gene: BARD1 (BRCA1 associated RING domain 1; minus strand). Cytogenetic location: 2q35.
Variant type: single nucleotide variant.
Coding change: c.2105T>A on transcript NM_000465.4 (MANE Select); coding-DNA position 2105, T replaced by A.
Protein change: p.Ile702Asn; replaces isoleucine 702 with asparagine.
Molecular consequence: missense variant. On other transcripts: non-coding transcript variant (3).
Genome position (GRCh38, 1-based): chr2:214,728,905, A>T on the plus strand (T>A on the coding strand, the complement: BARD1 is on the minus strand). VCF-style: chr2-214728905-A-T. GRCh37 (hg19) VCF-style: chr2-215593629-A-T.
Other names: c.2048T>A, p.Ile683Asn (NM_001282543.2); c.752T>A, p.Ile251Asn (NM_001282545.2); c.695T>A, p.Ile232Asn (NM_001282548.2); c.566T>A, p.Ile189Asn (NM_001282549.2); short protein forms I702N, I232N, I683N, I189N, I251N.
Identifiers: ClinVar variation 406794 (VCV000406794.16), dbSNP rs752114855, ClinGen allele CA16610680.
Genomic context (GRCh38, chr2:214,728,905, plus strand): 5'-TATGCGACTGTATTGATGGTCTGAGTCACGTCACTGTCTGGCTTGGGCTTTCTACTGAGG[A>T]TCTGGCCCCCACCTGCAGTGACGAGCTTAATAAGGTTGTCCTTTGGATGGTGTTTGAAGG-3'
Protein context (NP_000456.2, residues 692-712): IKLVTAGGGQ[Ile702Asn]LSRKPKPDSD